The following is an entry in ClinVar:

ClinVar aggregate classification (germline): Conflicting classifications of pathogenicity. Review status: criteria provided, conflicting classifications (1 of 4 stars). 3 submissions from 2 submitters: Uncertain significance (2); Likely benign (1). Last evaluated 2026-02-01.

Conditions:
Familial Mediterranean fever (FMF). Also called: POLYSEROSITIS, FAMILIAL PAROXYSMAL; POLYSEROSITIS, RECURRENT; Periodic peritonitis; Benign paroxysmal peritonitis. Identifiers: Orphanet 342, MedGen C0031069, MONDO:0018088, OMIM 249100. Disease mechanism: gain of function.
Acute febrile neutrophilic dermatosis (AFND). Also called: Sweet Syndrome; Gomm Button disease. Identifiers: Orphanet 3243, MedGen C0085077, MONDO:0011959, OMIM 608068.
Familial Mediterranean fever, autosomal dominant. Also called: Dominant Familial Mediterranean Fever; FMF, AUTOSOMAL DOMINANT. Identifiers: Orphanet 342, MedGen C1851347, MONDO:0007601, OMIM 134610.

Allele frequency attached by ClinVar (database versions not stated): gnomAD exomes below 0.00001; TOPMed below 0.00001; gnomAD 0.00001; ESP Exome Variant Server 0.00008.
gnomAD v4.1: 3 of 1,614,108 alleles (0.00019%); highest among the groups gnomAD compares: Non-Finnish European, 0.00025%; no homozygotes.

Submissions (3):

Labcorp Genetics (formerly Invitae), Labcorp
Classification: Likely benign for Familial Mediterranean fever. Last evaluated: 2026-02-01. Review status: criteria provided, single submitter. Criteria: Invitae Variant Classification Sherloc (09022015). Collection method: clinical testing. Allele origin: germline.

Center for Genomics, Ann and Robert H. Lurie Children's Hospital of Chicago
Classification: Uncertain significance for Acute febrile neutrophilic dermatosis; Familial Mediterranean fever; Familial Mediterranean fever, autosomal dominant. Last evaluated: 2021-11-23. Review status: criteria provided, single submitter. Criteria: ACMG Guidelines, 2015. Collection method: clinical testing. Allele origin: germline.
Comment: MEFV NM_000243 exon 3 p.Arg377Arg (c.1131C>T): This variant has not been reported in the literature and is not present in large control databases. Evolutionary conservation and computational predictive tools for this variant are limited or unavailable. Of note, this variant is a silent variant and does not change the amino acid, reducing the probability that this variant is disease causing. In summary, data on this variant is insufficient for disease classification. Therefore, the clinical significance of this variant is uncertain.

Center for Genomics, Ann and Robert H. Lurie Children's Hospital of Chicago
Classification: Uncertain significance for Familial Mediterranean fever, autosomal dominant; Familial Mediterranean fever. Last evaluated: 2018-01-18. Review status: criteria provided, single submitter. Criteria: ACMG Guidelines, 2015. Collection method: clinical testing. Allele origin: germline.
Comment: MEFV NM_000243.2 exon 3 p.Arg377= (c.1131C>T): This variant has not been reported in the literature and is not present in large control databases. Evolutionary conservation and computational predictive tools for this variant are limited or unavailable. Of note, this variant is a silent variant and does not change the amino acid, reducing the probability that this variant is disease causing. In summary, data on this variant is insufficient for disease classification. Therefore, the clinical significance of this variant is uncertain.

NM_000243.3(MEFV):c.1131C>T (p.Arg377=)

Gene: MEFV (MEFV innate immunity regulator, pyrin; minus strand). Cytogenetic location: 16p13.3.
Variant type: single nucleotide variant.
Coding change: c.1131C>T on transcript NM_000243.3 (MANE Select); coding-DNA position 1131, C replaced by T.
Protein change: p.Arg377=; no amino-acid change (arginine 377 retained).
Molecular consequence: synonymous variant.
Genome position (GRCh38, 1-based): chr16:3,249,560, G>A on the plus strand (C>T on the coding strand, the complement: MEFV is on the minus strand). VCF-style: chr16-3249560-G-A. GRCh37 (hg19) VCF-style: chr16-3299560-G-A.
Other names: c.498C>T, p.Arg166= (NM_001198536.2).
Identifiers: ClinVar variation 625980 (VCV000625980.3), dbSNP rs149941578, ClinGen allele CA276898836.